The following is an entry in ClinVar:

ClinVar aggregate classification (germline): Uncertain significance. Review status: criteria provided, single submitter (1 of 4 stars). 2 submissions from 2 submitters: Uncertain significance (1). 1 of the submissions does not count toward it. Last evaluated 2025-07-08.

Conditions:
KBG syndrome (KBGS). Also called: ANKRD11-Related KBG Syndrome. Identifiers: Orphanet 2332, MedGen C0220687, MONDO:0007846, OMIM 148050.
Isolated dental anomalies.

gnomAD v4.1: 9 of 1,572,648 alleles (0.00057%); highest among the groups gnomAD compares: East Asian, 0.011%; no homozygotes.

Submissions (2):

Labcorp Genetics (formerly Invitae), Labcorp
Classification: Uncertain significance for KBG syndrome. Last evaluated: 2025-07-08. Review status: criteria provided, single submitter. Criteria: Invitae Variant Classification Sherloc (09022015). Collection method: clinical testing. Allele origin: germline.
Comment: This sequence change replaces aspartic acid, which is acidic and polar, with asparagine, which is neutral and polar, at codon 1863 of the ANKRD11 protein (p.Asp1863Asn). This variant is present in population databases (rs769501359, gnomAD 0.02%). This variant has not been reported in the literature in individuals affected with ANKRD11-related conditions. Invitae Evidence Modeling of protein sequence and biophysical properties (such as structural, functional, and spatial information, amino acid conservation, physicochemical variation, residue mobility, and thermodynamic stability) indicates that this missense variant is not expected to disrupt ANKRD11 protein function with a negative predictive value of 95%. In summary, the available evidence is currently insufficient to determine the role of this variant in disease. Therefore, it has been classified as a Variant of Uncertain Significance.

Center of Excellence in Medical Genetics Research, Chiang Mai University
Classification: Uncertain significance for Isolated dental anomalies. Last evaluated: 2026-08-18. Review status: no assertion criteria provided. Collection method: research. Allele origin: germline. Affected: yes. Observed: 1 variant allele. Not counted in ClinVar's aggregate classification.
Comment: NM_013275.6:c.5587G>A is a missense variant in ANKRD11. The in silico mutation prediction results were MutationTaster (Polymorphism; 0.999999995656082), PolyPhen-2 (Benign; 0.012), SIFT (Benign Moderate; 0.166), CADD (23.7), and DANN (Uncertain; 0.9942) (BP4). It occurs at a low frequency in the gnomAD population database (gnomAD Global = 0.000005723, South Asian = 0, East Asian = 0.0001127) and was observed in 5/2172 alleles (AF = 0.002) in the T-Rex database (Thai exomes) (PM2). In summary, based on ACMG/AMP criteria, this variant is classified as a variant of uncertain significance (VUS) for isolated dental anomalies.

NM_013275.6(ANKRD11):c.5587G>A (p.Asp1863Asn)

Gene: ANKRD11 (ankyrin repeat domain 11; minus strand). Cytogenetic location: 16q24.3.
Variant type: single nucleotide variant.
Coding change: c.5587G>A on transcript NM_013275.6 (MANE Select); coding-DNA position 5587, G replaced by A.
Protein change: p.Asp1863Asn; replaces aspartic acid 1863 with asparagine.
Molecular consequence: missense variant.
Genome position (GRCh38, 1-based): chr16:89,280,955, C>T on the plus strand (G>A on the coding strand, the complement: ANKRD11 is on the minus strand). VCF-style: chr16-89280955-C-T. GRCh37 (hg19) VCF-style: chr16-89347363-C-T.
Other names: c.5587G>A, p.Asp1863Asn (NM_001256182.2, NM_001256183.2); short protein forms D1863N.
Identifiers: ClinVar variation 4693630 (VCV004693630.2).